The following is an entry in ClinVar:

ClinVar aggregate classification (germline): Likely pathogenic (1 of 4 stars; one submission).

Conditions:
Peutz-Jeghers syndrome (PJS). Also called: POLYPOSIS, HAMARTOMATOUS INTESTINAL; POLYPS-AND-SPOTS SYNDROME; Peutz-Jeghers polyposis; Periorificial lentiginosis syndrome. Identifiers: Orphanet 2869, MedGen C0031269, MeSH D010580, MONDO:0008280, OMIM 175200.

Submission:

Myriad Genetics, Inc.
Classification: Likely pathogenic for Peutz-Jeghers syndrome. Last evaluated: 2025-03-14. Review status: criteria provided, single submitter. Criteria: Myriad Autosomal Dominant, Autosomal Recessive and X-Linked Classification Criteria (2023). Collection method: clinical testing. Allele origin: unknown.
Comment: This variant is considered likely pathogenic. This variant has been reported in multiple individuals with clinical features of gene-specific disease [Myriad internal data]. This variant is expected to disrupt protein structure [Myriad internal data].

NM_000455.5(STK11):c.465_470del (p.Tyr156_Phe157del)

Gene: STK11 (serine/threonine kinase 11; plus strand). Cytogenetic location: 19p13.3.
Variant type: Deletion.
Coding change: c.465_470del on transcript NM_000455.5 (MANE Select); coding-DNA positions 465 to 470, 6 bases deleted (GTACTT; older notation c.465_470delGTACTT).
Protein change: p.Tyr156_Phe157del.
Molecular consequence: inframe deletion. On other transcripts: non-coding transcript variant (1).
Genome position (GRCh38, 1-based): chr19:1,220,373-1,220,378, GTACTT deleted. VCF-style (leftmost placement, unchanged base first): chr19-1220372-GGTACTT-G. GRCh37 (hg19) VCF-style: chr19-1220371-GGTACTT-G.
Other names: c.465_470del, p.Tyr156_Phe157del (NM_001407255.1).
Identifiers: ClinVar variation 3904677 (VCV003904677.1).